The following is an entry in ClinVar:

NM_004369.4(COL6A3):c.6690+238A>C

Gene: COL6A3 (collagen type VI alpha 3 chain; minus strand). Cytogenetic location: 2q37.3.
Variant type: single nucleotide variant.
Coding change: c.6690+238A>C on transcript NM_004369.4 (MANE Select); 238 bases into the intron after coding-DNA position 6690, A replaced by C.
Molecular consequence: intron variant.
Genome position (GRCh38, 1-based): chr2:237,353,103, T>G on the plus strand (A>C on the coding strand, the complement: COL6A3 is on the minus strand). VCF-style: chr2-237353103-T-G. GRCh37 (hg19) VCF-style: chr2-238261746-T-G.
Other names: c.4869+238A>C (NM_057166.5); c.6072+238A>C (NM_057167.4).
Identifiers: ClinVar variation 679232 (VCV000679232.1), dbSNP rs7605341, ClinGen allele CA11142081.

ClinVar aggregate classification (germline): Benign (1 of 4 stars; one submission).

Allele frequency attached by ClinVar (database versions not stated): 1000 Genomes Project 30x 0.55965; 1000 Genomes Project 0.56649; TOPMed 0.59236; gnomAD 0.59851 and 0.60034.
gnomAD v4.1: 90,757 of 151,416 alleles (60%); highest among the groups gnomAD compares: East Asian, 66%; 27,355 homozygotes.

Submission:

GeneDx
Classification: Benign. Last evaluated: 2018-06-14. Review status: criteria provided, single submitter. Criteria: GeneDx Variant Classification (06012015). Collection method: clinical testing. Allele origin: germline. Affected: yes.
Comment: This variant is considered likely benign or benign based on one or more of the following criteria: it is a conservative change, it occurs at a poorly conserved position in the protein, it is predicted to be benign by multiple in silico algorithms, and/or has population frequency not consistent with disease.